The following is an entry in ClinVar:

NM_001042492.3(NF1):c.3188G>C (p.Cys1063Ser)

Gene: NF1 (neurofibromin 1; plus strand). Cytogenetic location: 17q11.2.
Variant type: single nucleotide variant.
Coding change: c.3188G>C on transcript NM_001042492.3 (MANE Select); coding-DNA position 3188, G replaced by C.
Protein change: p.Cys1063Ser; replaces cysteine 1063 with serine.
Molecular consequence: missense variant.
Genome position (GRCh38, 1-based): chr17:31,230,916, G>C. VCF-style: chr17-31230916-G-C. GRCh37 (hg19) VCF-style: chr17-29557934-G-C.
Other names: c.3188G>C, p.Cys1063Ser (NM_000267.4); short protein forms C1063S.
Identifiers: ClinVar variation 3634525 (VCV003634525.2).
Genomic context (GRCh38, chr17:31,230,916, plus strand): 5'-AATACCTGACAGACTGGGTTATGGGAACATCAAACCAAGCAGCAGATGATGATGTAAAAT[G>C]TCTTACAAGGTAAAAAAAGAATGACCTTCAAGTATTAGTGGGTTTTACTGTGAGAGTTAT-3'
Protein context (NP_001035957.1, residues 1053-1073): SNQAADDDVK[Cys1063Ser]LTRDLDQASM

ClinVar aggregate classification (germline): Uncertain significance (1 of 4 stars; one submission).

Conditions:
Neurofibromatosis, type 1 (NF1). Also called: VON RECKLINGHAUSEN DISEASE; Peripheral type neurofibromatosis; NEUROFIBROMATOSIS, TYPE I, SOMATIC; Neurofibromatosis, type I. Identifiers: Orphanet 636, MedGen C0027831, MONDO:0018975, OMIM 162200. Disease mechanism: loss of function.

Submission:

Labcorp Genetics (formerly Invitae), Labcorp
Classification: Uncertain significance for Neurofibromatosis, type 1. Last evaluated: 2025-01-21. Review status: criteria provided, single submitter. Criteria: Invitae Variant Classification Sherloc (09022015). Collection method: clinical testing. Allele origin: germline.
Comment: This sequence change replaces cysteine, which is neutral and slightly polar, with serine, which is neutral and polar, at codon 1063 of the NF1 protein (p.Cys1063Ser). This variant is not present in population databases (gnomAD no frequency). This variant has not been reported in the literature in individuals affected with NF1-related conditions. Invitae Evidence Modeling of protein sequence and biophysical properties (such as structural, functional, and spatial information, amino acid conservation, physicochemical variation, residue mobility, and thermodynamic stability) has been performed for this missense variant. However, the output from this modeling did not meet the statistical confidence thresholds required to predict the impact of this variant on NF1 protein function. In summary, the available evidence is currently insufficient to determine the role of this variant in disease. Therefore, it has been classified as a Variant of Uncertain Significance.